The following is an entry in ClinVar:

NC_000023.11:g.147271177C>T

Variant type: single nucleotide variant.
Genome position: GRCh38 VCF-style: chrX-147271177-C-T. GRCh37 (hg19) VCF-style: chrX-146352695-C-T.
Identifiers: ClinVar variation 2661586 (VCV002661586.24), dbSNP rs183266036, ClinGen allele CA336911581.
Genomic context (GRCh38, chrX:147,271,177, plus strand): 5'-TTCCTTGCTATGCTCTCTATTGTACCTTGCAACTCTCATAGGGTATTCACCTTTCTTATT[C>T]TCTCACTTTGCCTGCAACTCATACCTGCTACATTCTATTGGGCCCATCTTCTAAGATCTG-3'

ClinVar aggregate classification (germline): Likely benign (1 of 4 stars; one submission).

Submission:

CeGaT Center for Human Genetics Tuebingen
Classification: Likely benign. Last evaluated: 2022-12-01. Review status: criteria provided, single submitter. Criteria: CeGaT Center For Human Genetics Tuebingen Variant Classification Criteria Version 2. Collection method: clinical testing. Allele origin: germline. Affected: yes. Observed: 1 variant allele.
Comment: MIR510: BS2